The following is an entry in ClinVar:

NM_006031.6(PCNT):c.9838A>T (p.Arg3280Ter)

Gene: PCNT (pericentrin; plus strand). Cytogenetic location: 21q22.3.
Variant type: single nucleotide variant.
Coding change: c.9838A>T on transcript NM_006031.6 (MANE Select); coding-DNA position 9838, A replaced by T.
Protein change: p.Arg3280Ter; replaces arginine 3280 with a stop codon.
Molecular consequence: nonsense.
Genome position (GRCh38, 1-based): chr21:46,443,947, A>T. VCF-style: chr21-46443947-A-T. GRCh37 (hg19) VCF-style: chr21-47863860-A-T.
Other names: c.9247A>T, p.Arg3083Ter (NM_001315529.2); short protein forms R3083*, R3280*.
Identifiers: ClinVar variation 3673191 (VCV003673191.2).

ClinVar aggregate classification (germline): Pathogenic (1 of 4 stars; one submission).

Submission:

Labcorp Genetics (formerly Invitae), Labcorp
Classification: Pathogenic. Last evaluated: 2024-03-08. Review status: criteria provided, single submitter. Criteria: Invitae Variant Classification Sherloc (09022015). Collection method: clinical testing. Allele origin: germline.
Comment: This sequence change creates a premature translational stop signal (p.Arg3280*) in the PCNT gene. It is expected to result in an absent or disrupted protein product. Loss-of-function variants in PCNT are known to be pathogenic (PMID: 18174396, 22821869). This variant is not present in population databases (gnomAD no frequency). This variant has not been reported in the literature in individuals affected with PCNT-related conditions. Algorithms developed to predict the effect of sequence changes on RNA splicing suggest that this variant may disrupt the consensus splice site. For these reasons, this variant has been classified as Pathogenic.

Literature cited by the submitters: PubMed 18174396; PubMed 22821869.